The following is an entry in ClinVar:

ClinVar aggregate classification (germline): Pathogenic (1 of 4 stars; one submission).

Conditions:
Hereditary cancer-predisposing syndrome. Also called: Neoplastic Syndromes, Hereditary; Tumor predisposition; Hereditary Cancer Syndrome; Hereditary neoplastic syndrome. Identifiers: Orphanet 140162, MedGen C0027672, MeSH D009386, MONDO:0015356.

Submission:

Ambry Genetics
Classification: Pathogenic for Hereditary cancer-predisposing syndrome. Last evaluated: 2025-08-18. Review status: criteria provided, single submitter. Criteria: Ambry Variant Classification Scheme 2023. Collection method: clinical testing. Allele origin: germline.
Comment: The c.3226_3227insGGT pathogenic mutation, located in coding exon 21 of the ATM gene, results from an in-frame GGT insertion at nucleotide positions 3226 to 3227 and creates an alternate stop codon within coding exon 21 (p.Q1076delinsR*). This variant is considered to be rare based on population cohorts in the Genome Aggregation Database (gnomAD). This alteration is expected to result in loss of function by premature protein truncation or nonsense-mediated mRNA decay. As such, this alteration is interpreted as a disease-causing mutation.

NM_000051.4(ATM):c.3226_3227insGGT (p.Gln1076delinsArgTer)

Gene: ATM (ATM serine/threonine kinase; plus strand). Cytogenetic location: 11q22.3.
Variant type: Insertion.
Coding change: c.3226_3227insGGT on transcript NM_000051.4 (MANE Select); coding-DNA positions 3226 to 3227, GGT inserted.
Protein change: p.Gln1076delinsArgTer.
Molecular consequence: nonsense.
Genome position: GRCh38 VCF-style: chr11-108272794-C-CGGT. GRCh37 (hg19) VCF-style: chr11-108143521-C-CGGT.
Other names: c.3226_3227insGGT, p.Gln1076delinsArgTer (NM_001351834.2).
Identifiers: ClinVar variation 4170062 (VCV004170062.1).